The following is an entry in ClinVar:

NM_004999.4(MYO6):c.1631C>T (p.Thr544Ile)

Gene: MYO6 (myosin VI; plus strand). Cytogenetic location: 6q14.1.
Variant type: single nucleotide variant.
Coding change: c.1631C>T on transcript NM_004999.4 (MANE Select); coding-DNA position 1631, C replaced by T.
Protein change: p.Thr544Ile; replaces threonine 544 with isoleucine.
Molecular consequence: missense variant. On other transcripts: non-coding transcript variant (1).
Genome position (GRCh38, 1-based): chr6:75,862,680, C>T. VCF-style: chr6-75862680-C-T. GRCh37 (hg19) VCF-style: chr6-76572397-C-T.
Other names: c.1631C>T, p.Thr544Ile (NM_001300899.2, NM_001368136.1, NM_001368137.1 and 2 more transcripts); c.1616C>T, p.Thr539Ile (NM_001368138.1); short protein forms T544I, T539I.
Identifiers: ClinVar variation 290821 (VCV000290821.10), dbSNP rs371944427, ClinGen allele CA3897167.

ClinVar aggregate classification (germline): Uncertain significance. Review status: criteria provided, multiple submitters, no conflicts (2 of 4 stars). 4 submissions from 4 submitters: Uncertain significance (4). Last evaluated 2026-04-07.

Conditions:
MYO6-related disorder. Also called: MYO6-related condition; MYO6-related disorders.

Allele frequency attached by ClinVar (database versions not stated): gnomAD 0.00003; TOPMed 0.00005; gnomAD exomes 0.00006 and 0.00008; ExAC 0.00007; ESP Exome Variant Server 0.00008.
gnomAD v4.1: 95 of 1,613,984 alleles (0.0059%); highest among the groups gnomAD compares: Admixed American, 0.02%; no homozygotes.

Submissions (4):

PreventionGenetics, part of Exact Sciences
Classification: Uncertain significance for MYO6-related condition. Last evaluated: 2026-04-07. Review status: criteria provided, single submitter. Criteria: ACMG Guidelines, 2015. Collection method: clinical testing. Allele origin: germline.
Comment: The MYO6 c.1631C>T variant is predicted to result in the amino acid substitution p.Thr544Ile. To our knowledge, this variant has not been reported in the literature. This variant is reported in 0.034% of alleles in individuals of Latino descent in gnomAD. At this time, the clinical significance of this variant is uncertain due to the absence of conclusive functional and genetic evidence.

Labcorp Genetics (formerly Invitae), Labcorp
Classification: Uncertain significance. Last evaluated: 2024-03-30. Review status: criteria provided, single submitter. Criteria: Invitae Variant Classification Sherloc (09022015). Collection method: clinical testing. Allele origin: germline.
Comment: This sequence change replaces threonine, which is neutral and polar, with isoleucine, which is neutral and non-polar, at codon 544 of the MYO6 protein (p.Thr544Ile). This variant is present in population databases (rs371944427, gnomAD 0.03%). This variant has not been reported in the literature in individuals affected with MYO6-related conditions. ClinVar contains an entry for this variant (Variation ID: 290821). Advanced modeling of protein sequence and biophysical properties (such as structural, functional, and spatial information, amino acid conservation, physicochemical variation, residue mobility, and thermodynamic stability) has been performed at Invitae for this missense variant, however the output from this modeling did not meet the statistical confidence thresholds required to predict the impact of this variant on MYO6 protein function. In summary, the available evidence is currently insufficient to determine the role of this variant in disease. Therefore, it has been classified as a Variant of Uncertain Significance.

GeneDx
Classification: Uncertain significance. Last evaluated: 2019-11-06. Review status: criteria provided, single submitter. Criteria: GeneDx Variant Classification Process June 2021. Collection method: clinical testing. Allele origin: germline. Affected: yes.
Comment: In silico analysis, which includes protein predictors and evolutionary conservation, supports a deleterious effect; Has not been previously published as pathogenic or benign to our knowledge

Eurofins Ntd Llc (ga)
Classification: Uncertain significance. Last evaluated: 2016-09-12. Review status: criteria provided, single submitter. Criteria: EGL Classification Definitions 2015. Collection method: clinical testing. Allele origin: germline. Observed: 1 variant allele, 1 heterozygote.